The following is an entry in ClinVar:

ClinVar aggregate classification (germline): Conflicting classifications of pathogenicity. Review status: criteria provided, conflicting classifications (1 of 4 stars). 2 submissions from 2 submitters: Uncertain significance (1); Likely benign (1). Last evaluated 2024-04-01.

Conditions:
Inborn genetic diseases. Identifiers: MedGen C0950123, MeSH D030342.

Allele frequency attached by ClinVar (database versions not stated): gnomAD exomes below 0.00001.
gnomAD v4.1: 5 of 1,611,124 alleles (0.00031%); highest among the groups gnomAD compares: Middle Eastern, 0.017%; no homozygotes.

Submissions (2):

CeGaT Center for Human Genetics Tuebingen
Classification: Likely benign. Last evaluated: 2024-04-01. Review status: criteria provided, single submitter. Criteria: CeGaT Center For Human Genetics Tuebingen Variant Classification Criteria Version 2. Collection method: clinical testing. Allele origin: germline. Affected: yes. Observed: 1 variant allele.
Comment: ASXL2: BP4, BS2

Ambry Genetics
Classification: Uncertain significance for Inborn genetic diseases. Last evaluated: 2023-06-07. Review status: criteria provided, single submitter. Criteria: Ambry Variant Classification Scheme 2023. Collection method: clinical testing. Allele origin: germline.

NM_018263.6(ASXL2):c.1673T>C (p.Leu558Pro)

Gene: ASXL2 (ASXL transcriptional regulator 2; minus strand). Cytogenetic location: 2p23.3.
Variant type: single nucleotide variant.
Coding change: c.1673T>C on transcript NM_018263.6 (MANE Select); coding-DNA position 1673, T replaced by C.
Protein change: p.Leu558Pro; replaces leucine 558 with proline.
Molecular consequence: missense variant.
Genome position (GRCh38, 1-based): chr2:25,749,883, A>G on the plus strand (T>C on the coding strand, the complement: ASXL2 is on the minus strand). VCF-style: chr2-25749883-A-G. GRCh37 (hg19) VCF-style: chr2-25972752-A-G.
Other names: c.1499T>C, p.Leu500Pro (NM_001369346.1); c.893T>C, p.Leu298Pro (NM_001369347.1); short protein forms L298P, L558P, L500P.
Identifiers: ClinVar variation 2513751 (VCV002513751.22), dbSNP rs1354885963, ClinGen allele CA346074796.